The following is an entry in ClinVar:

ClinVar aggregate classification (germline): Uncertain significance (1 of 4 stars; one submission).

Submission:

GeneDx
Classification: Uncertain significance. Last evaluated: 2025-07-08. Review status: criteria provided, single submitter. Criteria: GeneDx Variant Classification Process June 2021. Collection method: clinical testing. Allele origin: germline. Affected: yes.
Comment: Not observed at significant frequency in large population cohorts (gnomAD); In silico analysis supports that this missense variant has a deleterious effect on protein structure/function; Has not been previously published as pathogenic or benign to our knowledge

NM_139137.4(KCNC2):c.386T>C (p.Val129Ala)

Gene: KCNC2 (potassium voltage-gated channel subfamily C member 2; minus strand). Cytogenetic location: 12q21.1.
Variant type: single nucleotide variant.
Coding change: c.386T>C on transcript NM_139137.4 (MANE Select); coding-DNA position 386, T replaced by C.
Protein change: p.Val129Ala; replaces valine 129 with alanine.
Molecular consequence: missense variant. On other transcripts: non-coding transcript variant (2).
Genome position (GRCh38, 1-based): chr12:75,207,598, A>G on the plus strand (T>C on the coding strand, the complement: KCNC2 is on the minus strand). VCF-style: chr12-75207598-A-G. GRCh37 (hg19) VCF-style: chr12-75601378-A-G.
Other names: c.386T>C, p.Val129Ala (NM_001260497.2, NM_001260498.2, NM_001260499.2 and 13 more transcripts); short protein forms V129A.
Identifiers: ClinVar variation 4685450 (VCV004685450.1).